The following is an entry in ClinVar:

NM_000059.4(BRCA2):c.4984T>G (p.Ser1662Ala)

Gene: BRCA2 (BRCA2 DNA repair associated; plus strand). Cytogenetic location: 13q13.1.
Variant type: single nucleotide variant.
Coding change: c.4984T>G on transcript NM_000059.4 (MANE Select); coding-DNA position 4984, T replaced by G.
Protein change: p.Ser1662Ala; replaces serine 1662 with alanine.
Molecular consequence: missense variant. On other transcripts: non-coding transcript variant (1), intron variant (2).
Genome position (GRCh38, 1-based): chr13:32,339,339, T>G. VCF-style: chr13-32339339-T-G. GRCh37 (hg19) VCF-style: chr13-32913476-T-G.
Other names: c.4984T>G, p.Ser1662Ala (NM_001406719.1, NM_001406720.1, NM_001432077.1); c.1910-5219T>G (NM_001406721.1); c.425-5219T>G (NM_001406722.1); short protein forms S1662A.
Identifiers: ClinVar variation 3366328 (VCV003366328.1).
Genomic context (GRCh38, chr13:32,339,339, plus strand): 5'-AATGTAGAAAAAGAAACAGCAAAAAGTCCTGCAACTTGTTACACAAATCAGTCCCCTTAT[T>G]CAGTCATTGAAAATTCAGCCTTAGCTTTTTACACAAGTTGTAGTAGAAAAACTTCTGTGA-3'
Protein context (NP_000050.3, residues 1652-1672): ATCYTNQSPY[Ser1662Ala]VIENSALAFY

ClinVar aggregate classification (germline): Uncertain significance (1 of 4 stars; one submission).

Submission:

Women's Health and Genetics/Laboratory Corporation of America, LabCorp
Classification: Uncertain significance. Last evaluated: 2024-08-12. Review status: criteria provided, single submitter. Criteria: LabCorp Variant Classification Summary - May 2015. Collection method: clinical testing. Allele origin: germline.
Comment: Variant summary: BRCA2 c.4984T>G (p.Ser1662Ala) results in a conservative amino acid change in the encoded protein sequence. Five of five in-silico tools predict a benign effect of the variant on protein function. The variant was absent in 232186 control chromosomes. The available data on variant occurrences in the general population are insufficient to allow any conclusion about variant significance. To our knowledge, no occurrence of c.4984T>G in individuals affected with Hereditary Breast And Ovarian Cancer Syndrome and no experimental evidence demonstrating its impact on protein function have been reported. No submitters have cited clinical-significance assessments for this variant to ClinVar. Based on the evidence outlined above, the variant was classified as uncertain significance.